The following is an entry in ClinVar:

ClinVar aggregate classification (germline): Likely benign (1 of 4 stars; one submission).

Allele frequency attached by ClinVar (database versions not stated): gnomAD exomes below 0.00001; TOPMed below 0.00001.
gnomAD v4.1: 3 of 1,613,982 alleles (0.00019%); highest among the groups gnomAD compares: South Asian, 0.0011%; no homozygotes.

Submission:

CeGaT Center for Human Genetics Tuebingen
Classification: Likely benign. Last evaluated: 2023-08-01. Review status: criteria provided, single submitter. Criteria: CeGaT Center For Human Genetics Tuebingen Variant Classification Criteria Version 2. Collection method: clinical testing. Allele origin: germline. Affected: yes. Observed: 1 variant allele.
Comment: HERC2: BP4, BP7

NM_004667.6(HERC2):c.8298G>A (p.Gln2766=)

Gene: HERC2 (HECT and RLD domain containing E3 ubiquitin protein ligase 2; minus strand). Cytogenetic location: 15q13.1.
Variant type: single nucleotide variant.
Coding change: c.8298G>A on transcript NM_004667.6 (MANE Select); coding-DNA position 8298, G replaced by A.
Protein change: p.Gln2766=; no amino-acid change (glutamine 2766 retained).
Molecular consequence: synonymous variant.
Genome position (GRCh38, 1-based): chr15:28,192,114, C>T on the plus strand (G>A on the coding strand, the complement: HERC2 is on the minus strand). VCF-style: chr15-28192114-C-T. GRCh37 (hg19) VCF-style: chr15-28437260-C-T.
Identifiers: ClinVar variation 2645059 (VCV002645059.24), dbSNP rs1436633324, ClinGen allele CA488966433.
Genomic context (GRCh38, chr15:28,192,114, plus strand): 5'-CACCATGCGGGACCAGCTGTCCAGCAGCATGCCTGGCTGGCTGCTGTGGCAACGCTTCAG[C>T]TGTTTTCCAGAACGGCCACAAAATACCGCAGACTGACCTATTTCGTGATAGTCAAAAAGA-3'
Protein context (NP_004658.3, residues 2756-2776): SAVFCGRSGK[Gln2766=]LKRCHSSQPG